The following is an entry in ClinVar:

NM_005045.4(RELN):c.10026G>A (p.Thr3342=)

Genes: SLC26A5-AS1 (SLC26A5 antisense RNA 1; plus strand), RELN (reelin; minus strand). Cytogenetic location: 7q22.1.
Variant type: single nucleotide variant.
Coding change: c.10026G>A on transcript NM_005045.4 (MANE Select); coding-DNA position 10026, G replaced by A.
Protein change: p.Thr3342=; no amino-acid change (threonine 3342 retained).
Molecular consequence: synonymous variant.
Genome position (GRCh38, 1-based): chr7:103,483,808, C>T on the plus strand (G>A on the coding strand, the complement: RELN is on the minus strand). VCF-style: chr7-103483808-C-T. GRCh37 (hg19) VCF-style: chr7-103124255-C-T.
Other names: c.10026G>A, p.Thr3342= (NM_173054.3).
Identifiers: ClinVar variation 358378 (VCV000358378.13), dbSNP rs542352292, ClinGen allele CA4420062.

ClinVar aggregate classification (germline): Conflicting classifications of pathogenicity. Review status: criteria provided, conflicting classifications (1 of 4 stars). 3 submissions from 3 submitters: Uncertain significance (1); Likely benign (2). Last evaluated 2025-02-02.

Conditions:
Norman-Roberts syndrome (LIS2). Also called: Lissencephaly 2 (Norman-Roberts type). Identifiers: Orphanet 89844, MedGen C0796089, MONDO:0009760, OMIM 257320.
Familial temporal lobe epilepsy 7. Identifiers: Orphanet 101046, MedGen C4225327, MONDO:0014639, OMIM 616436.

Allele frequency attached by ClinVar (database versions not stated): ExAC 0.00002; gnomAD exomes 0.00002 and 0.00005; TOPMed 0.00003; gnomAD 0.00004 and 0.00005; 1000 Genomes Project 30x 0.00031; 1000 Genomes Project 0.00040.
gnomAD v4.1: 74 of 1,614,034 alleles (0.0046%); highest among the groups gnomAD compares: Non-Finnish European, 0.0055%; no homozygotes.

Submissions (3):

Labcorp Genetics (formerly Invitae), Labcorp
Classification: Likely benign for Familial temporal lobe epilepsy 7; Norman-Roberts syndrome. Last evaluated: 2025-02-02. Review status: criteria provided, single submitter. Criteria: Invitae Variant Classification Sherloc (09022015). Collection method: clinical testing. Allele origin: germline.

Illumina Laboratory Services, Illumina
Classification: Uncertain significance for Norman-Roberts syndrome. Last evaluated: 2018-01-13. Review status: criteria provided, single submitter. Criteria: ICSL Variant Classification Criteria 13 December 2019. Collection method: clinical testing. Allele origin: germline.

GeneDx
Classification: Likely benign. Last evaluated: 2016-03-10. Review status: criteria provided, single submitter. Criteria: GeneDx Variant Classification (06012015). Collection method: clinical testing. Allele origin: germline. Affected: yes.
Comment: This variant is considered likely benign or benign based on one or more of the following criteria: it is a conservative change, it occurs at a poorly conserved position in the protein, it is predicted to be benign by multiple in silico algorithms, and/or has population frequency not consistent with disease.